The following is an entry in ClinVar:

NM_001308093.3(GATA4):c.488C>G (p.Pro163Arg)

Gene: GATA4 (GATA binding protein 4). Cytogenetic location: 8p23.1.
Variant type: single nucleotide variant.
Coding change: c.488C>G on transcript NM_001308093.3 (MANE Select); coding-DNA position 488, C replaced by G.
Protein change: p.Pro163Arg; replaces proline 163 with arginine.
Molecular consequence: missense variant. On other transcripts: intron variant (3).
Genome position (GRCh38, 1-based): chr8:11,708,800, C>G. VCF-style: chr8-11708800-C-G. GRCh37 (hg19) VCF-style: chr8-11566309-C-G.
Other names: c.488C>G, p.Pro163Arg (NM_002052.5); c.-6+8022C>G (NM_001308094.2); c.-3+786C>G (NM_001374274.1); c.-3+4496C>G (NM_001374273.1); short protein forms P163R.
Identifiers: ClinVar variation 639476 (VCV000639476.10), dbSNP rs540578824, ClinGen allele CA172074944.

ClinVar aggregate classification (germline): Uncertain significance. Review status: criteria provided, multiple submitters, no conflicts (2 of 4 stars). 2 submissions from 2 submitters: Uncertain significance (2). Last evaluated 2026-01-12.

Conditions:
Atrioventricular septal defect 4 (AVSD4). Identifiers: MedGen C3280781, MONDO:0013747, OMIM 614430.

Allele frequency attached by ClinVar (database versions not stated): gnomAD 0.00002; TOPMed 0.00004; gnomAD exomes 0.00009.
gnomAD v4.1: 124 of 1,476,804 alleles (0.0084%); highest among the groups gnomAD compares: Non-Finnish European, 0.011%; no homozygotes.

Submissions (2):

Labcorp Genetics (formerly Invitae), Labcorp
Classification: Uncertain significance for Atrioventricular septal defect 4. Last evaluated: 2026-01-12. Review status: criteria provided, single submitter. Criteria: Invitae Variant Classification Sherloc (09022015). Collection method: clinical testing. Allele origin: germline.
Comment: This sequence change replaces proline, which is neutral and non-polar, with arginine, which is basic and polar, at codon 163 of the GATA4 protein (p.Pro163Arg). This variant is not present in population databases (gnomAD no frequency). This missense change has been observed in individual(s) with congenital heart disease (PMID: 2087424, 28263493). ClinVar contains an entry for this variant (Variation ID: 639476). Invitae Evidence Modeling of protein sequence and biophysical properties (such as structural, functional, and spatial information, amino acid conservation, physicochemical variation, residue mobility, and thermodynamic stability) has been performed for this missense variant. However, the output from this modeling did not meet the statistical confidence thresholds required to predict the impact of this variant on GATA4 protein function. Experimental studies are conflicting or provide insufficient evidence to determine the effect of this variant on GATA4 function (PMID: 20874241). This variant disrupts the p.Pro163 amino acid residue in GATA4. Other variant(s) that disrupt this residue have been determined to be pathogenic (PMID: 31513339, 39285472). This suggests that this residue is clinically significant, and that variants that disrupt this residue are likely to be disease-causing. In summary, the available evidence is currently insufficient to determine the role of this variant in disease. Therefore, it has been classified as a Variant of Uncertain Significance.

GeneDx
Classification: Uncertain significance. Last evaluated: 2020-10-21. Review status: criteria provided, single submitter. Criteria: GeneDx Variant Classification Process June 2021. Collection method: clinical testing. Allele origin: germline. Affected: yes.
Comment: Reported in a patient with a ventricular defect (VSD) but did not segregate in a sibling with a VSD (Butler et al., 2010); Not observed at a significant frequency in large population cohorts (Lek et al., 2016); In silico analysis supports that this missense variant has a deleterious effect on protein structure/function; This variant is associated with the following publications: (PMID: 20874241)

Literature cited by the submitters: PubMed 2087424 (cited by Labcorp Genetics (formerly Invitae), Labcorp); PubMed 28263493 (cited by Labcorp Genetics (formerly Invitae), Labcorp); PubMed 20874241 (cited by Labcorp Genetics (formerly Invitae), Labcorp); PubMed 31513339 (cited by Labcorp Genetics (formerly Invitae), Labcorp); PubMed 39285472 (cited by Labcorp Genetics (formerly Invitae), Labcorp).